The following is an entry in ClinVar:

NM_000222.3(KIT):c.1070A>G (p.Asp357Gly)

Gene: KIT (KIT proto-oncogene, receptor tyrosine kinase; plus strand). Cytogenetic location: 4q12.
Variant type: single nucleotide variant.
Coding change: c.1070A>G on transcript NM_000222.3 (MANE Select); coding-DNA position 1070, A replaced by G.
Protein change: p.Asp357Gly; replaces aspartic acid 357 with glycine.
Molecular consequence: missense variant.
Genome position (GRCh38, 1-based): chr4:54,707,242, A>G. VCF-style: chr4-54707242-A-G. GRCh37 (hg19) VCF-style: chr4-55573408-A-G.
Other names: c.1070A>G, p.Asp357Gly (NM_001093772.2, NM_001385285.1, NM_001385286.1); c.1073A>G, p.Asp358Gly (NM_001385284.1, NM_001385288.1, NM_001385290.1 and 1 more transcripts); short protein forms D357G, D358G.
Identifiers: ClinVar variation 2813185 (VCV002813185.4), dbSNP rs2475479074, ClinGen allele CA356901095.

ClinVar aggregate classification (germline): Uncertain significance. Review status: criteria provided, multiple submitters, no conflicts (2 of 4 stars). 2 submissions from 2 submitters: Uncertain significance (2). Last evaluated 2025-06-22.

Conditions:
Hereditary cancer-predisposing syndrome. Also called: Neoplastic Syndromes, Hereditary; Tumor predisposition; Hereditary Cancer Syndrome; Hereditary neoplastic syndrome. Identifiers: Orphanet 140162, MedGen C0027672, MeSH D009386, MONDO:0015356.
Gastrointestinal stromal tumor. Also called: Gastrointestinal stromal tumor, somatic; Gastrointestinal stroma tumor. Identifiers: Orphanet 44890, MedGen C0238198, MeSH D046152, MONDO:0011719, OMIM 606764, HP:0100723.

Submissions (2):

Ambry Genetics
Classification: Uncertain significance for Hereditary cancer-predisposing syndrome. Last evaluated: 2025-06-22. Review status: criteria provided, single submitter. Criteria: Ambry Variant Classification Scheme 2023. Collection method: clinical testing. Allele origin: germline.
Comment: The p.D357G variant (also known as c.1070A>G), located in coding exon 6 of the KIT gene, results from an A to G substitution at nucleotide position 1070. The aspartic acid at codon 357 is replaced by glycine, an amino acid with similar properties. This amino acid position is conserved. In addition, this alteration is predicted to be tolerated by in silico analysis. Based on the available evidence, the clinical significance of this variant remains unclear.

Labcorp Genetics (formerly Invitae), Labcorp
Classification: Uncertain significance for Gastrointestinal stromal tumor. Last evaluated: 2025-03-12. Review status: criteria provided, single submitter. Criteria: Invitae Variant Classification Sherloc (09022015). Collection method: clinical testing. Allele origin: germline.
Comment: This sequence change replaces aspartic acid, which is acidic and polar, with glycine, which is neutral and non-polar, at codon 357 of the KIT protein (p.Asp357Gly). This variant is not present in population databases (gnomAD no frequency). This variant has not been reported in the literature in individuals affected with KIT-related conditions. ClinVar contains an entry for this variant (Variation ID: 2813185). An algorithm developed to predict the effect of missense changes on protein structure and function (PolyPhen-2) suggests that this variant is likely to be tolerated. In summary, the available evidence is currently insufficient to determine the role of this variant in disease. Therefore, it has been classified as a Variant of Uncertain Significance.